The following is an entry in ClinVar:

ClinVar aggregate classification (germline): Uncertain significance. Review status: criteria provided, multiple submitters, no conflicts (2 of 4 stars). 2 submissions from 2 submitters: Uncertain significance (2). Last evaluated 2025-07-14.

Conditions:
Familial adenomatous polyposis 1 (FAP1). Also called: FAMILIAL ADENOMATOUS POLYPOSIS 1, ATTENUATED; POLYPOSIS, ADENOMATOUS INTESTINAL. Identifiers: MedGen C2713442, MONDO:0021056, OMIM 175100. Disease mechanism: loss of function.
Hereditary cancer-predisposing syndrome. Also called: Neoplastic Syndromes, Hereditary; Tumor predisposition; Hereditary Cancer Syndrome; Hereditary neoplastic syndrome. Identifiers: Orphanet 140162, MedGen C0027672, MeSH D009386, MONDO:0015356.

Allele frequency attached by ClinVar (database versions not stated): gnomAD exomes below 0.00001.
gnomAD v4.1: 2 of 1,614,114 alleles (0.00012%); highest among the groups gnomAD compares: African/African-American, 0.0027%; no homozygotes.

Submissions (2):

Labcorp Genetics (formerly Invitae), Labcorp
Classification: Uncertain significance for Familial adenomatous polyposis 1. Last evaluated: 2025-07-14. Review status: criteria provided, single submitter. Criteria: Invitae Variant Classification Sherloc (09022015). Collection method: clinical testing. Allele origin: germline.
Comment: This sequence change replaces asparagine, which is neutral and polar, with aspartic acid, which is acidic and polar, at codon 732 of the APC protein (p.Asn732Asp). This variant is not present in population databases (gnomAD no frequency). This variant has not been reported in the literature in individuals affected with APC-related conditions. ClinVar contains an entry for this variant (Variation ID: 231179). Invitae Evidence Modeling of protein sequence and biophysical properties (such as structural, functional, and spatial information, amino acid conservation, physicochemical variation, residue mobility, and thermodynamic stability) indicates that this missense variant is not expected to disrupt APC protein function with a negative predictive value of 95%. In summary, the available evidence is currently insufficient to determine the role of this variant in disease. Therefore, it has been classified as a Variant of Uncertain Significance.

Ambry Genetics
Classification: Uncertain significance for Hereditary cancer-predisposing syndrome. Last evaluated: 2025-01-18. Review status: criteria provided, single submitter. Criteria: Ambry Variant Classification Scheme 2023. Collection method: clinical testing. Allele origin: germline.
Comment: The p.N732D variant (also known as c.2194A>G), located in coding exon 15 of the APC gene, results from an A to G substitution at nucleotide position 2194. The asparagine at codon 732 is replaced by aspartic acid, an amino acid with highly similar properties. This amino acid position is highly conserved in available vertebrate species. In addition, in silico predictors for this gene do not accurately predict pathogenicity. Missense alterations in APC are not a common cause of disease (Spier I et al. Genet Med. 2024 Feb;26(2):100992). Based on the available evidence, the clinical significance of this variant remains unclear.

NM_000038.6(APC):c.2194A>G (p.Asn732Asp)

Gene: APC (APC regulator of Wnt signaling pathway; plus strand). Cytogenetic location: 5q22.2.
Variant type: single nucleotide variant.
Coding change: c.2194A>G on transcript NM_000038.6 (MANE Select); coding-DNA position 2194, A replaced by G.
Protein change: p.Asn732Asp; replaces asparagine 732 with aspartic acid.
Molecular consequence: missense variant.
Genome position (GRCh38, 1-based): chr5:112,837,788, A>G. VCF-style: chr5-112837788-A-G. GRCh37 (hg19) VCF-style: chr5-112173485-A-G.
Other names: c.2194A>G, p.Asn732Asp (NM_001127510.3, NM_001354895.2); c.2140A>G, p.Asn714Asp (NM_001127511.3); c.2248A>G, p.Asn750Asp (NM_001354896.2); c.2224A>G, p.Asn742Asp (NM_001354897.2); c.2119A>G, p.Asn707Asp (NM_001354898.2); c.2110A>G, p.Asn704Asp (NM_001354899.2); c.2071A>G, p.Asn691Asp (NM_001354900.2); c.2017A>G, p.Asn673Asp (NM_001354901.2); and 5 more; short protein forms N714D, N732D, N606D, N673D, N750D, N449D, N572D, N691D.
Identifiers: ClinVar variation 231179 (VCV000231179.16), dbSNP rs876659004, ClinGen allele CA10578336.